The following is an entry in ClinVar:

ClinVar aggregate classification (germline): Benign/Likely benign. Review status: criteria provided, multiple submitters, no conflicts (2 of 4 stars). 2 submissions from 2 submitters: Benign (1); Likely benign (1). Last evaluated 2024-10-24.

Allele frequency attached by ClinVar (database versions not stated): 1000 Genomes Project 0.00459; ExAC 0.00211; ESP Exome Variant Server 0.00511; 1000 Genomes Project 30x 0.00484; TOPMed 0.00491.
gnomAD v4.1: 1,362 of 1,551,598 alleles (0.088%); highest among the groups gnomAD compares: African/African-American, 1.7%; 17 homozygotes.

Submissions (2):

Blueprint Genetics
Classification: Likely benign. Last evaluated: 2024-10-24. Review status: criteria provided, single submitter. Criteria: ACMG Guidelines, 2015. Collection method: clinical testing. Allele origin: germline.

GeneDx
Classification: Benign. Last evaluated: 2014-05-08. Review status: criteria provided, single submitter. Criteria: GeneDx Variant Classification (06012015). Collection method: clinical testing. Allele origin: germline. Affected: yes.
Comment: This variant is considered likely benign or benign based on one or more of the following criteria: it is a conservative change, it occurs at a poorly conserved position in the protein, it is predicted to be benign by multiple in silico algorithms, and/or has population frequency not consistent with disease.

NM_201596.3(CACNB2):c.213+110350T>G

Genes: CACNB2 (calcium voltage-gated channel auxiliary subunit beta 2; plus strand), CACNB2-AS2 (CACNB2 antisense RNA 2; minus strand). Cytogenetic location: 10p12.33.
Variant type: single nucleotide variant.
Coding change: c.213+110350T>G on transcript NM_201596.3 (MANE Select); 110350 bases into the intron after coding-DNA position 213, T replaced by G.
Molecular consequence: intron variant.
Genome position (GRCh38, 1-based): chr10:18,261,325, T>G. VCF-style: chr10-18261325-T-G. GRCh37 (hg19) VCF-style: chr10-18550254-T-G.
Other names: c.129+110350T>G (NM_201571.4, NM_001167945.2, NM_201572.4); c.213+110350T>G (NM_201593.3, NM_201597.3); c.48+8T>G (NM_000724.4, NM_001330060.2).
Identifiers: ClinVar variation 136645 (VCV000136645.4), dbSNP rs149836040, ClinGen allele CA289937.